The following is an entry in ClinVar:

ClinVar aggregate classification (germline): Likely benign. Review status: criteria provided, multiple submitters, no conflicts (2 of 4 stars). 3 submissions from 3 submitters: Likely benign (3). Last evaluated 2026-01-20.

Conditions:
Alacrima, achalasia, and impaired intellectual development syndrome. Also called: Alacrima, achalasia, and mental retardation syndrome; Alacrima, achalasia, and intellectual disability syndrome. Identifiers: Orphanet 869, MedGen C4706563, MONDO:0014219, OMIM 615510.

Allele frequency attached by ClinVar (database versions not stated): TOPMed 0.00025; gnomAD 0.00029; ESP Exome Variant Server 0.00031.

Submissions (3):

Labcorp Genetics (formerly Invitae), Labcorp
Classification: Likely benign for Alacrima, achalasia, and impaired intellectual development syndrome. Last evaluated: 2026-01-20. Review status: criteria provided, single submitter. Criteria: Invitae Variant Classification Sherloc (09022015). Collection method: clinical testing. Allele origin: germline.

Blueprint Genetics
Classification: Likely benign. Last evaluated: 2024-06-17. Review status: criteria provided, single submitter. Criteria: ACMG Guidelines, 2015. Collection method: clinical testing. Allele origin: germline.

GeneDx
Classification: Likely benign. Last evaluated: 2018-05-17. Review status: criteria provided, single submitter. Criteria: GeneDx Variant Classification (06012015). Collection method: clinical testing. Allele origin: germline. Affected: yes.
Comment: This variant is considered likely benign or benign based on one or more of the following criteria: it is a conservative change, it occurs at a poorly conserved position in the protein, it is predicted to be benign by multiple in silico algorithms, and/or has population frequency not consistent with disease.

NM_013335.4(GMPPA):c.40+20G>A

Genes: ASIC4-AS1 (ASIC4 antisense RNA 1; minus strand), GMPPA (GDP-mannose pyrophosphorylase A; plus strand). Cytogenetic location: 2q35.
Variant type: single nucleotide variant.
Coding change: c.40+20G>A on transcript NM_013335.4 (MANE Select); 20 bases into the intron after coding-DNA position 40, G replaced by A.
Molecular consequence: intron variant.
Genome position (GRCh38, 1-based): chr2:219,500,035, G>A. VCF-style: chr2-219500035-G-A. GRCh37 (hg19) VCF-style: chr2-220364757-G-A.
Other names: c.40+20G>A (NM_205847.3).
Identifiers: ClinVar variation 682536 (VCV000682536.5), dbSNP rs373938536, ClinGen allele CA2128008.